The following is an entry in ClinVar:

NM_000179.3(MSH6):c.700_701del (p.Lys234fs)

Gene: MSH6 (mutS homolog 6; plus strand). Cytogenetic location: 2p16.3.
Variant type: Deletion.
Coding change: c.700_701del on transcript NM_000179.3 (MANE Select); coding-DNA positions 700 to 701, 2 bases deleted (AA; older notation c.700_701delAA).
Protein change: p.Lys234fs; shifts the reading frame from lysine 234.
Molecular consequence: frameshift variant. On other transcripts: 5 prime UTR variant (9), non-coding transcript variant (4), intron variant (1).
Genome position (GRCh38, 1-based): chr2:47,798,683-47,798,684, AA deleted. VCF-style (leftmost placement, unchanged base first): chr2-47798682-TAA-T. GRCh37 (hg19) VCF-style: chr2-48025821-TAA-T.
Other names: c.310_311del, p.Lys104fs (NM_001281492.2); c.-207_-206del (NM_001281493.2, NM_001281494.2, NM_001406811.1 and 6 more transcripts); c.796_797del, p.Lys266fs (NM_001406795.1, NM_001406802.1); c.700_701del, p.Lys234fs (NM_001406796.1, NM_001406798.1, NM_001406800.1 and 4 more transcripts); c.403_404del, p.Lys135fs (NM_001406797.1, NM_001406801.1, NM_001406805.1 and 10 more transcripts); c.175_176del, p.Lys59fs (NM_001406799.1, NM_001406806.1, NM_001406807.1); c.622_623del, p.Lys208fs (NM_001406804.1); c.706_707del, p.Lys236fs (NM_001406813.1); and 2 more; short protein forms K104fs, K236fs, K135fs, K234fs, K208fs, K266fs, K178fs, K59fs.
Identifiers: ClinVar variation 3398948 (VCV003398948.3).

ClinVar aggregate classification (germline): Pathogenic. Review status: criteria provided, multiple submitters, no conflicts (2 of 4 stars). 2 submissions from 2 submitters: Pathogenic (2). Last evaluated 2024-11-10.

Conditions:
Hereditary nonpolyposis colorectal neoplasms. Identifiers: MedGen C0009405, MeSH D003123.
Hereditary cancer-predisposing syndrome. Also called: Hereditary Cancer Syndrome; Tumor predisposition; Hereditary neoplastic syndrome; Neoplastic Syndromes, Hereditary. Identifiers: Orphanet 140162, MedGen C0027672, MeSH D009386, MONDO:0015356.

Submissions (2):

Ambry Genetics
Classification: Pathogenic for Hereditary cancer-predisposing syndrome. Last evaluated: 2024-11-10. Review status: criteria provided, single submitter. Criteria: Ambry Variant Classification Scheme 2023. Collection method: clinical testing. Allele origin: germline.
Comment: The c.700_701delAA pathogenic mutation, located in coding exon 4 of the MSH6 gene, results from a deletion of two nucleotides at nucleotide positions 700 to 701, causing a translational frameshift with a predicted alternate stop codon (p.K234Dfs*5). This variant is considered to be rare based on population cohorts in the Genome Aggregation Database (gnomAD). This alteration is expected to result in loss of function by premature protein truncation or nonsense-mediated mRNA decay. As such, this alteration is interpreted as a disease-causing mutation.

Labcorp Genetics (formerly Invitae), Labcorp
Classification: Pathogenic for Hereditary nonpolyposis colorectal neoplasms. Last evaluated: 2024-08-31. Review status: criteria provided, single submitter. Criteria: Invitae Variant Classification Sherloc (09022015). Collection method: clinical testing. Allele origin: germline.
Comment: This sequence change creates a premature translational stop signal (p.Lys234Aspfs*5) in the MSH6 gene. It is expected to result in an absent or disrupted protein product. Loss-of-function variants in MSH6 are known to be pathogenic (PMID: 18269114, 24362816). This variant is not present in population databases (gnomAD no frequency). This variant has not been reported in the literature in individuals affected with MSH6-related conditions. For these reasons, this variant has been classified as Pathogenic.

Literature cited by the submitters: PubMed 18269114 (cited by Labcorp Genetics (formerly Invitae), Labcorp); PubMed 24362816 (cited by Labcorp Genetics (formerly Invitae), Labcorp).